The following is an entry in ClinVar:

NM_002224.4(ITPR3):c.6868-7C>A

Gene: ITPR3 (inositol 1,4,5-trisphosphate receptor type 3; plus strand). Cytogenetic location: 6p21.31.
Variant type: single nucleotide variant.
Coding change: c.6868-7C>A on transcript NM_002224.4 (MANE Select); 7 bases into the intron before coding-DNA position 6868, C replaced by A.
Molecular consequence: intron variant.
Genome position (GRCh38, 1-based): chr6:33,690,027, C>A. VCF-style: chr6-33690027-C-A. GRCh37 (hg19) VCF-style: chr6-33657804-C-A.
Identifiers: ClinVar variation 4980357 (VCV004980357.1).

ClinVar aggregate classification (germline): Likely benign (1 of 4 stars; one submission).

Conditions:
ITPR3-related disorder. Also called: ITPR3-related condition.

gnomAD v4.1: 374 of 1,614,136 alleles (0.023%); highest among the groups gnomAD compares: African/African-American, 0.31%; no homozygotes.

Submission:

PreventionGenetics, part of Exact Sciences
Classification: Likely benign for ITPR3-related condition. Last evaluated: 2025-01-25. Review status: criteria provided, single submitter. Criteria: ACMG Guidelines, 2015. Collection method: clinical testing. Allele origin: germline.
Comment: This variant is classified as likely benign based on ACMG/AMP sequence variant interpretation guidelines (Richards et al. 2015 PMID: 25741868, with internal and published modifications).